The following is an entry in ClinVar:

NM_003070.5(SMARCA2):c.1235C>G (p.Ser412Cys)

Gene: SMARCA2 (SWI/SNF related BAF chromatin remodeling complex subunit ATPase 2; plus strand). Cytogenetic location: 9p24.3.
Variant type: single nucleotide variant.
Coding change: c.1235C>G on transcript NM_003070.5 (MANE Select); coding-DNA position 1235, C replaced by G.
Protein change: p.Ser412Cys; replaces serine 412 with cysteine.
Molecular consequence: missense variant.
Genome position (GRCh38, 1-based): chr9:2,056,733, C>G. VCF-style: chr9-2056733-C-G. GRCh37 (hg19) VCF-style: chr9-2056733-C-G.
Other names: c.1235C>G, p.Ser412Cys (NM_001289396.2, NM_001289397.2, NM_139045.4); c.1235C>G (NM_003070.3); short protein forms S412C.
Identifiers: ClinVar variation 3700483 (VCV003700483.3).

ClinVar aggregate classification (germline): Uncertain significance. Review status: criteria provided, multiple submitters, no conflicts (2 of 4 stars). 2 submissions from 2 submitters: Uncertain significance (2). Last evaluated 2025-12-02.

Conditions:
Inborn genetic diseases. Identifiers: MedGen C0950123, MeSH D030342.

Submissions (2):

Ambry Genetics
Classification: Uncertain significance for Inborn genetic diseases. Last evaluated: 2025-12-02. Review status: criteria provided, single submitter. Criteria: Ambry Variant Classification Scheme 2023. Collection method: clinical testing. Allele origin: germline.

Labcorp Genetics (formerly Invitae), Labcorp
Classification: Uncertain significance. Last evaluated: 2024-08-22. Review status: criteria provided, single submitter. Criteria: Invitae Variant Classification Sherloc (09022015). Collection method: clinical testing. Allele origin: germline.
Comment: This sequence change replaces serine, which is neutral and polar, with cysteine, which is neutral and slightly polar, at codon 412 of the SMARCA2 protein (p.Ser412Cys). This variant is not present in population databases (gnomAD no frequency). This variant has not been reported in the literature in individuals affected with SMARCA2-related conditions. Invitae Evidence Modeling of protein sequence and biophysical properties (such as structural, functional, and spatial information, amino acid conservation, physicochemical variation, residue mobility, and thermodynamic stability) indicates that this missense variant is not expected to disrupt SMARCA2 protein function with a negative predictive value of 80%. In summary, the available evidence is currently insufficient to determine the role of this variant in disease. Therefore, it has been classified as a Variant of Uncertain Significance.